The following is an entry in ClinVar:

NM_002516.4(NOVA2):c.88G>A (p.Glu30Lys)

Gene: NOVA2 (NOVA alternative splicing regulator 2; minus strand). Cytogenetic location: 19q13.32.
Variant type: single nucleotide variant.
Coding change: c.88G>A on transcript NM_002516.4 (MANE Select); coding-DNA position 88, G replaced by A.
Protein change: p.Glu30Lys; replaces glutamic acid 30 with lysine.
Molecular consequence: missense variant.
Genome position (GRCh38, 1-based): chr19:45,961,151, C>T on the plus strand (G>A on the coding strand, the complement: NOVA2 is on the minus strand). VCF-style: chr19-45961151-C-T. GRCh37 (hg19) VCF-style: chr19-46464409-C-T.
Other names: short protein forms E30K.
Identifiers: ClinVar variation 1697055 (VCV001697055.2), dbSNP rs1167129503, ClinGen allele CA406444488.

ClinVar aggregate classification (germline): Uncertain significance (1 of 4 stars; one submission).

Submission:

GeneDx
Classification: Uncertain significance. Last evaluated: 2022-01-18. Review status: criteria provided, single submitter. Criteria: GeneDx Variant Classification Process June 2021. Collection method: clinical testing. Allele origin: germline. Affected: yes.
Comment: Not observed at significant frequency in large population cohorts (gnomAD); In silico analysis supports that this missense variant does not alter protein structure/function; Has not been previously published as pathogenic or benign to our knowledge